The following is an entry in ClinVar:

NM_000089.4(COL1A2):c.847G>T (p.Gly283Cys)

Gene: COL1A2 (collagen type I alpha 2 chain; plus strand). Cytogenetic location: 7q21.3.
Variant type: single nucleotide variant.
Coding change: c.847G>T on transcript NM_000089.4 (MANE Select); coding-DNA position 847, G replaced by T.
Protein change: p.Gly283Cys; replaces glycine 283 with cysteine.
Molecular consequence: missense variant.
Genome position (GRCh38, 1-based): chr7:94,409,376, G>T. VCF-style: chr7-94409376-G-T. GRCh37 (hg19) VCF-style: chr7-94038688-G-T.
Other names: short protein forms G283C.
Identifiers: ClinVar variation 4075364 (VCV004075364.1).
Genomic context (GRCh38, chr7:94,409,376, plus strand): 5'-TTTTAGGGTGAAATTGGAGCTGTTGGTAACGCTGGTCCTGCTGGTCCCGCCGGTCCCCGT[G>T]GTGAAGTGGGTCTTCCAGGCCTCTCCGGCCCCGTTGGACCTCCTGTAAGTAGCCACTGTC-3'
Protein context (NP_000080.2, residues 273-293): AGPAGPAGPR[Gly283Cys]EVGLPGLSGP

ClinVar aggregate classification (germline): Pathogenic (1 of 4 stars; one submission).

Conditions:
Osteogenesis imperfecta with normal sclerae, dominant form (OI4). Also called: Common Variable Osteogenesis Imperfecta with Normal Sclerae; OSTEOGENESIS IMPERFECTA, TYPE IV, WITH DENTINOGENESIS IMPERFECTA; Osteogenesis Imperfecta Type IV; OSTEOGENESIS IMPERFECTA WITH NORMAL SCLERAE; Osteogenesis imperfecta type 4. Identifiers: Orphanet 216820, Orphanet 666, MedGen C0268363, MONDO:0008148, OMIM 166220.

Submission:

Clinical Biomedical Laboratory, Shriners Hospital For Children - Canada
Classification: Pathogenic for Osteogenesis imperfecta with normal sclerae, dominant form. Last evaluated: 2025-07-16. Review status: criteria provided, single submitter. Criteria: ACMG Guidelines, 2015. Collection method: clinical testing. Allele origin: germline. Affected: yes.
Comment: This variant is predicted to substitute a glycine residue by a cysteine residue in the alpha 2 chain of collagen type I. Glycine substitutions in the triple helical domain of collagen type I cause disruption in the formation of the triple helix in the collagen molecule and are a typical cause of osteogenesis imperfecta. This variant is absent from the Genome Aggregation Database v.2.1.1, indicating it is very rare. Prediction tools (REVEL: 0.99) suggest that the change is detrimental to protein function.